The following is an entry in ClinVar:

NM_198904.4(GABRG2):c.260T>G (p.Val87Gly)

Gene: GABRG2 (gamma-aminobutyric acid type A receptor subunit gamma2; plus strand). Cytogenetic location: 5q34.
Variant type: single nucleotide variant.
Coding change: c.260T>G on transcript NM_198904.4 (MANE Select); coding-DNA position 260, T replaced by G.
Protein change: p.Val87Gly; replaces valine 87 with glycine.
Molecular consequence: missense variant. On other transcripts: 5 prime UTR variant (3).
Genome position (GRCh38, 1-based): chr5:162,095,495, T>G. VCF-style: chr5-162095495-T-G. GRCh37 (hg19) VCF-style: chr5-161522501-T-G.
Other names: c.260T>G, p.Val87Gly (NM_000816.3, NM_001375340.1, NM_001375341.1 and 4 more transcripts); c.251T>G, p.Val84Gly (NM_001375339.1); c.194T>G, p.Val65Gly (NM_001375345.1, NM_001375346.1); c.173T>G, p.Val58Gly (NM_001375347.1); c.-99T>G (NM_001375348.1, NM_001375350.1); c.-26T>G (NM_001375349.1); short protein forms V65G, V58G, V84G, V87G.
Identifiers: ClinVar variation 2954034 (VCV002954034.3), dbSNP rs1402790664, ClinGen allele CA362183282.
Genomic context (GRCh38, chr5:162,095,495, plus strand): 5'-TTAAAACATTAAAATCTTGCACCTCTCTATGTGCACACATTTCTATGTTTCTCTTTACAG[T>G]GAAGCCAACGTTAATTCACACAGACATGTATGTGAATAGCATTGGTCCAGTGAACGCTAT-3'
Protein context (NP_944494.1, residues 77-97): YDNKLRPDIG[Val87Gly]KPTLIHTDMY

ClinVar aggregate classification (germline): Uncertain significance (1 of 4 stars; one submission).

Conditions:
EPILEPSY, CHILDHOOD ABSENCE, SUSCEPTIBILITY TO, 2 (ECA2). Identifiers: Orphanet 64280, MedGen C1843244, OMIM 607681.
Febrile seizures, familial, 8 (FEB8). Also called: CONVULSIONS, FAMILIAL FEBRILE, 8. Identifiers: Orphanet 36387, MedGen C1969810, MONDO:0011891, OMIM 607681.

Submission:

Labcorp Genetics (formerly Invitae), Labcorp
Classification: Uncertain significance for Febrile seizures, familial, 8; EPILEPSY, CHILDHOOD ABSENCE, SUSCEPTIBILITY TO, 2. Last evaluated: 2024-12-16. Review status: criteria provided, single submitter. Criteria: Invitae Variant Classification Sherloc (09022015). Collection method: clinical testing. Allele origin: germline.
Comment: This sequence change replaces valine, which is neutral and non-polar, with glycine, which is neutral and non-polar, at codon 87 of the GABRG2 protein (p.Val87Gly). This variant is not present in population databases (gnomAD no frequency). This variant has not been reported in the literature in individuals affected with GABRG2-related conditions. ClinVar contains an entry for this variant (Variation ID: 2954034). An algorithm developed to predict the effect of missense changes on protein structure and function (PolyPhen-2) suggests that this variant is likely to be tolerated. In summary, the available evidence is currently insufficient to determine the role of this variant in disease. Therefore, it has been classified as a Variant of Uncertain Significance.